The following is an entry in ClinVar:

NM_001267550.2(TTN):c.67063C>T (p.Pro22355Ser)

Genes: TTN (titin; minus strand), TTN-AS1 (TTN antisense RNA 1; plus strand). Cytogenetic location: 2q31.2.
Variant type: single nucleotide variant.
Coding change: c.67063C>T on transcript NM_001267550.2 (MANE Select); coding-DNA position 67063, C replaced by T.
Protein change: p.Pro22355Ser; replaces proline 22355 with serine.
Molecular consequence: missense variant.
Genome position (GRCh38, 1-based): chr2:178,580,224, G>A on the plus strand (C>T on the coding strand, the complement: TTN is on the minus strand). VCF-style: chr2-178580224-G-A. GRCh37 (hg19) VCF-style: chr2-179444951-G-A.
Other names: p.P20714S:CCT>TCT; c.62140C>T, p.Pro20714Ser (NM_001256850.1); c.39868C>T, p.Pro13290Ser (NM_003319.4); c.59359C>T, p.Pro19787Ser (NM_133378.4); c.40243C>T, p.Pro13415Ser (NM_133432.3); c.40444C>T, p.Pro13482Ser (NM_133437.4); short protein forms P20714S, P22355S, P13482S, P19787S, P13290S, P13415S.
Identifiers: ClinVar variation 202804 (VCV000202804.7), dbSNP rs794729481, ClinGen allele CA310340.

ClinVar aggregate classification (germline): Uncertain significance. Review status: criteria provided, multiple submitters, no conflicts (2 of 4 stars). 7 submissions from 3 submitters: Uncertain significance (6). 1 of the submissions does not count toward it. Last evaluated 2018-01-12.

Conditions:
TTN-related disorder. Also called: TTN-related condition; TTN-related disease; TTN-related disorders.
Myopathy, myofibrillar, 9, with early respiratory failure (MFM9). Also called: EDSTROM MYOPATHY; MYOPATHY, PROXIMAL, WITH EARLY RESPIRATORY MUSCLE INVOLVEMENT; Myopathy, distal, with early respiratory failure, autosomal dominant; Hereditary myopathy with early respiratory failure. Identifiers: Orphanet 178464, Orphanet 34521, MedGen C1863599, MONDO:0011362, OMIM 603689.
Autosomal recessive limb-girdle muscular dystrophy type 2J (LGMDR10). Also called: MUSCULAR DYSTROPHY, LIMB-GIRDLE, AUTOSOMAL RECESSIVE 10; Limb-girdle muscular dystrophy, type 2J. Identifiers: Orphanet 140922, MedGen C1837342, MONDO:0012127, OMIM 608807.
Early-onset myopathy with fatal cardiomyopathy (CMYO5). Also called: CONGENITAL MYOPATHY 5 WITH CARDIOMYOPATHY; Salih Myopathy. Identifiers: Orphanet 289377, MedGen C2673677, MONDO:0012714, OMIM 611705. Disease mechanism: loss of function.
Tibial muscular dystrophy (TMD). Also called: UDD MYOPATHY; Tibial muscular dystrophy, tardive; Udd Distal Myopathy – Tibial Muscular Dystrophy. Identifiers: Orphanet 609, MedGen C1838244, MONDO:0010870, OMIM 600334.
Dilated cardiomyopathy 1G (CMD1G). Identifiers: Orphanet 154, MedGen C1858763, MONDO:0011400, OMIM 604145.

Allele frequency attached by ClinVar (database versions not stated): gnomAD 0.00001; TOPMed 0.00003.
gnomAD v4.1: 12 of 1,612,046 alleles (0.00074%); highest among the groups gnomAD compares: Non-Finnish European, 0.000085%; no homozygotes.

Submissions (7):

Illumina Laboratory Services, Illumina
Classification: Uncertain significance for Autosomal recessive limb-girdle muscular dystrophy type 2J. Last evaluated: 2018-01-12. Review status: criteria provided, single submitter. Criteria: ICSL Variant Classification Criteria 13 December 2019. Collection method: clinical testing. Allele origin: germline.

Illumina Laboratory Services, Illumina
Classification: Uncertain significance for Myopathy, myofibrillar, 9, with early respiratory failure. Last evaluated: 2018-01-12. Review status: criteria provided, single submitter. Criteria: ICSL Variant Classification Criteria 13 December 2019. Collection method: clinical testing. Allele origin: germline.

Illumina Laboratory Services, Illumina
Classification: Uncertain significance for Dilated cardiomyopathy 1G. Last evaluated: 2018-01-12. Review status: criteria provided, single submitter. Criteria: ICSL Variant Classification Criteria 13 December 2019. Collection method: clinical testing. Allele origin: germline.

Illumina Laboratory Services, Illumina
Classification: Uncertain significance for Tibial muscular dystrophy. Last evaluated: 2018-01-12. Review status: criteria provided, single submitter. Criteria: ICSL Variant Classification Criteria 13 December 2019. Collection method: clinical testing. Allele origin: germline.

Illumina Laboratory Services, Illumina
Classification: Uncertain significance for Early-onset myopathy with fatal cardiomyopathy. Last evaluated: 2018-01-12. Review status: criteria provided, single submitter. Criteria: ICSL Variant Classification Criteria 13 December 2019. Collection method: clinical testing. Allele origin: germline.

GeneDx
Classification: Uncertain significance. Last evaluated: 2014-05-27. Review status: criteria provided, single submitter. Criteria: GeneDx Variant Classification (06012015). Collection method: clinical testing. Allele origin: germline. Affected: yes.
Comment: Missense variants in the TTN gene are considered 'unclassified' if they are not previously reported in the literature and do not have >1% frequency in the population to be considered a polymorphism. Research indicates that truncating mutations in the TTN gene are expected to account for approximately 25% of familial and 18% of sporadic idiopathic DCM; however, truncating variants in the TTN gene have been reported in approximately 3% of reported control alleles. There has been little investigation into non-truncating variants. (Herman D et al. Truncations of titin causing dilated cardiomyopathy. N Eng J Med 366:619-628, 2012) The variant is found in CARDIOMYOPATHY panel(s).

PreventionGenetics, part of Exact Sciences
Classification: Uncertain significance for TTN-related condition. Last evaluated: 2024-07-11. Review status: no assertion criteria provided. Collection method: clinical testing. Allele origin: germline. Not counted in ClinVar's aggregate classification.
Comment: The TTN c.67063C>T variant is predicted to result in the amino acid substitution p.Pro22355Ser. To our knowledge, this variant has not been reported in the literature. This variant is reported in 0.040% of alleles in individuals of Ashkenazi Jewish descent in gnomAD. At this time, the clinical significance of this variant is uncertain due to the absence of conclusive functional and genetic evidence.